The following is an entry in ClinVar:

NM_001378454.1(ALMS1):c.10821G>C (p.Glu3607Asp)

Gene: ALMS1 (ALMS1 centrosome and basal body associated protein; plus strand). Cytogenetic location: 2p13.1.
Variant type: single nucleotide variant.
Coding change: c.10821G>C on transcript NM_001378454.1 (MANE Select); coding-DNA position 10821, G replaced by C.
Protein change: p.Glu3607Asp; replaces glutamic acid 3607 with aspartic acid.
Molecular consequence: missense variant.
Genome position (GRCh38, 1-based): chr2:73,572,698, G>C. VCF-style: chr2-73572698-G-C. GRCh37 (hg19) VCF-style: chr2-73799825-G-C.
Other names: c.10824G>C, p.Glu3608Asp (NM_015120.4); short protein forms E3607D, E3608D.
Identifiers: ClinVar variation 3348076 (VCV003348076.1).

ClinVar aggregate classification (germline): Uncertain significance (0 of 4 stars; one submission).

Conditions:
ALMS1-related disorder. Also called: ALMS1-related condition.

Submission:

PreventionGenetics, part of Exact Sciences
Classification: Uncertain significance for ALMS1-related condition. Last evaluated: 2024-08-07. Review status: no assertion criteria provided. Collection method: clinical testing. Allele origin: germline.
Comment: The ALMS1 c.10824G>C variant is predicted to result in the amino acid substitution p.Gln3608His. To our knowledge, this variant has not been reported in the literature or in a large population database, indicating this variant is rare. At this time, the clinical significance of this variant is uncertain due to the absence of conclusive functional and genetic evidence.